The following is an entry in ClinVar:

NM_000282.4(PCCA):c.145dup (p.Arg49fs)

Gene: PCCA (propionyl-CoA carboxylase subunit alpha; plus strand). Cytogenetic location: 13q32.3.
Variant type: Duplication.
Coding change: c.145dup on transcript NM_000282.4 (MANE Select); coding-DNA position 145, one base duplicated (C; older notation c.145dupC).
Protein change: p.Arg49fs; shifts the reading frame from arginine 49.
Molecular consequence: frameshift variant. On other transcripts: 5 prime UTR variant (3), non-coding transcript variant (4), intron variant (3).
Genome position (GRCh38, 1-based): chr13:100,102,922, C duplicated; the last of 3 consecutive C bases (chr13:100,102,920-100,102,922); duplicating any one gives the same sequence. VCF-style (leftmost placement, unchanged base first): chr13-100102919-T-TC. GRCh37 (hg19) VCF-style: chr13-100755173-T-TC.
Other names: c.145dup, p.Arg49fs (NM_001178004.2, NM_001352605.2, NM_001352606.2 and 1 more transcripts); c.-722dup (NM_001352610.2, NM_001352611.2, NM_001352612.2); c.106-8919dup (NM_001127692.3, NM_001352607.2, NM_001352608.2); short protein forms R49fs.
Identifiers: ClinVar variation 4818099 (VCV004818099.1).

ClinVar aggregate classification (germline): Likely pathogenic (1 of 4 stars; one submission).

Conditions:
Propionic acidemia (PROP). Also called: GLYCINEMIA, KETOTIC; HYPERGLYCINEMIA WITH KETOACIDOSIS AND LEUKOPENIA; KETOTIC HYPERGLYCINEMIA. Identifiers: Orphanet 35, MedGen C0268579, MONDO:0011628, OMIM 606054, HP:0003571.

Submission:

Natera, Inc.
Classification: Likely pathogenic for Propionic acidemia. Last evaluated: 2025-09-25. Review status: criteria provided, single submitter. Criteria: Natera Variant Classification Schema (03/2026). Collection method: clinical testing. Allele origin: germline.
Comment: The c.145dup variant in PCCA is a frameshift variant predicted to shift the reading frame beginning at codon 49 and leads to a stop codon 2 codons downstream. This variant is expected to result in nonsense mediated decay, truncation, or a dysfunctional protein product. This variant is rare in the general population with a frequency below the threshold expected for the associated phenotype(s). Given the available evidence, this variant is classified as Likely Pathogenic.